The following is an entry in ClinVar:

NM_206933.4(USH2A):c.2799G>A (p.Gln933=)

Genes: USH2A (usherin; minus strand), LOC122152296 (Sharpr-MPRA regulatory region 8762; plus strand). Cytogenetic location: 1q41.
Variant type: single nucleotide variant.
Coding change: c.2799G>A on transcript NM_206933.4 (MANE Select); coding-DNA position 2799, G replaced by A.
Protein change: p.Gln933=; no amino-acid change (glutamine 933 retained).
Molecular consequence: synonymous variant.
Genome position (GRCh38, 1-based): chr1:216,246,595, C>T on the plus strand (G>A on the coding strand, the complement: USH2A is on the minus strand). VCF-style: chr1-216246595-C-T. GRCh37 (hg19) VCF-style: chr1-216419937-C-T.
Other names: c.2799G>A, p.Gln933= (NM_007123.6); c.2799G>A (NM_206933.2).
Identifiers: ClinVar variation 1649440 (VCV001649440.11), dbSNP rs757913773, ClinGen allele CA1396164.

ClinVar aggregate classification (germline): Likely benign. Review status: criteria provided, multiple submitters, no conflicts (2 of 4 stars). 3 submissions from 3 submitters: Likely benign (2). 1 of the submissions does not count toward it. Last evaluated 2024-03-13.

Conditions:
USH2A-related disorder. Also called: USH2A-related disorders; USH2A-related condition. Identifiers: MedGen CN239332.

Allele frequency attached by ClinVar (database versions not stated): gnomAD exomes 0.00001; ExAC 0.00002.
gnomAD v4.1: 3 of 1,614,052 alleles (0.00019%); highest among the groups gnomAD compares: Admixed American, 0.005%; no homozygotes.

Submissions (3):

Labcorp Genetics (formerly Invitae), Labcorp
Classification: Likely benign. Last evaluated: 2024-03-13. Review status: criteria provided, single submitter. Criteria: Invitae Variant Classification Sherloc (09022015). Collection method: clinical testing. Allele origin: germline.

Blueprint Genetics
Classification: Likely benign. Last evaluated: 2022-06-30. Review status: criteria provided, single submitter. Criteria: ACMG Guidelines, 2015. Collection method: clinical testing. Allele origin: germline.

PreventionGenetics, part of Exact Sciences
Classification: Likely benign for USH2A-related condition. Last evaluated: 2020-12-22. Review status: no assertion criteria provided. Collection method: clinical testing. Allele origin: germline. Not counted in ClinVar's aggregate classification.
Comment: This variant is classified as likely benign based on ACMG/AMP sequence variant interpretation guidelines (Richards et al. 2015 PMID: 25741868, with internal and published modifications).